The following is an entry in ClinVar:

ClinVar aggregate classification (germline): Uncertain significance. Review status: criteria provided, multiple submitters, no conflicts (2 of 4 stars). 2 submissions from 2 submitters: Uncertain significance (2). Last evaluated 2025-11-17.

Conditions:
Inborn genetic diseases. Identifiers: MedGen C0950123, MeSH D030342.
Combined oxidative phosphorylation defect type 27. Also called: Combined oxidative phosphorylation deficiency 27. Identifiers: Orphanet 477774, MedGen C5567608, MONDO:0014728, OMIM 616672.

Allele frequency attached by ClinVar (database versions not stated): gnomAD exomes below 0.00001 and 0.00001; ExAC 0.00001; TOPMed 0.00003; ESP Exome Variant Server 0.00015.

Submissions (2):

Labcorp Genetics (formerly Invitae), Labcorp
Classification: Uncertain significance for Combined oxidative phosphorylation defect type 27. Last evaluated: 2025-11-17. Review status: criteria provided, single submitter. Criteria: Invitae Variant Classification Sherloc (09022015). Collection method: clinical testing. Allele origin: germline.
Comment: This sequence change replaces methionine, which is neutral and non-polar, with isoleucine, which is neutral and non-polar, at codon 114 of the CARS2 protein (p.Met114Ile). This variant is present in population databases (rs139689196, gnomAD 0.0009%). This variant has not been reported in the literature in individuals affected with CARS2-related conditions. ClinVar contains an entry for this variant (Variation ID: 948431). Invitae Evidence Modeling of protein sequence and biophysical properties (such as structural, functional, and spatial information, amino acid conservation, physicochemical variation, residue mobility, and thermodynamic stability) indicates that this missense variant is not expected to disrupt CARS2 protein function with a negative predictive value of 80%. In summary, the available evidence is currently insufficient to determine the role of this variant in disease. Therefore, it has been classified as a Variant of Uncertain Significance.

Ambry Genetics
Classification: Uncertain significance for Inborn genetic diseases. Last evaluated: 2022-05-27. Review status: criteria provided, single submitter. Criteria: Ambry Variant Classification Scheme 2023. Collection method: clinical testing. Allele origin: germline.

NM_024537.4(CARS2):c.342G>A (p.Met114Ile)

Gene: CARS2 (cysteinyl-tRNA synthetase 2, mitochondrial; minus strand). Cytogenetic location: 13q34.
Variant type: single nucleotide variant.
Coding change: c.342G>A on transcript NM_024537.4 (MANE Select); coding-DNA position 342, G replaced by A.
Protein change: p.Met114Ile; replaces methionine 114 with isoleucine.
Molecular consequence: missense variant. On other transcripts: 5 prime UTR variant (1), non-coding transcript variant (2).
Genome position (GRCh38, 1-based): chr13:110,701,489, C>T on the plus strand (G>A on the coding strand, the complement: CARS2 is on the minus strand). VCF-style: chr13-110701489-C-T. GRCh37 (hg19) VCF-style: chr13-111353836-C-T.
Other names: c.-658G>A (NM_001352252.2); c.342G>A, p.Met114Ile (NM_001352253.3); c.342G>A (NM_024537.2); short protein forms M114I.
Identifiers: ClinVar variation 948431 (VCV000948431.10), dbSNP rs139689196, ClinGen allele CA7052305.